The following is an entry in ClinVar:

NM_005647.4(TBL1X):c.13G>A (p.Ala5Thr)

Gene: TBL1X (transducin beta like 1 X-linked; plus strand). Cytogenetic location: Xp22.2.
Variant type: single nucleotide variant.
Coding change: c.13G>A on transcript NM_005647.4 (MANE Select); coding-DNA position 13, G replaced by A.
Protein change: p.Ala5Thr; replaces alanine 5 with threonine.
Molecular consequence: missense variant. On other transcripts: intron variant (2).
Genome position (GRCh38, 1-based): chrX:9,653,599, G>A. VCF-style: chrX-9653599-G-A. GRCh37 (hg19) VCF-style: chrX-9621639-G-A.
Other names: c.13G>A, p.Ala5Thr (NM_001139466.1); c.-50-616G>A (NM_001139468.1, NM_001139467.1); short protein forms A5T.
Identifiers: ClinVar variation 2136038 (VCV002136038.3), dbSNP rs138597617, ClinGen allele CA411988297.

ClinVar aggregate classification (germline): Uncertain significance (1 of 4 stars; one submission).

gnomAD v4.1: 5 of 1,169,889 alleles (0.00043%); highest among the groups gnomAD compares: East Asian, 0.0032%; no homozygotes.

Submission:

GeneDx
Classification: Uncertain significance. Last evaluated: 2023-09-01. Review status: criteria provided, single submitter. Criteria: GeneDx Variant Classification Process June 2021. Collection method: clinical testing. Allele origin: germline. Affected: yes.
Comment: Not observed at significant frequency in large population cohorts (gnomAD); In silico analysis supports that this missense variant does not alter protein structure/function; Has not been previously published as pathogenic or benign to our knowledge